The following is an entry in ClinVar:

NM_001271049.2(CFAP221):c.222del (p.Lys74fs)

Gene: CFAP221 (cilia and flagella associated protein 221; plus strand). Cytogenetic location: 2q14.2.
Variant type: Deletion.
Coding change: c.222del on transcript NM_001271049.2 (MANE Select); coding-DNA position 222, one base deleted (A; older notation c.222delA).
Protein change: p.Lys74fs; shifts the reading frame from lysine 74.
Molecular consequence: frameshift variant. On other transcripts: non-coding transcript variant (1).
Genome position (GRCh38, 1-based): chr2:119,549,167, A deleted; the last of 5 consecutive A bases (chr2:119,549,163-119,549,167); deleting any one gives the same sequence. VCF-style (leftmost placement, unchanged base first): chr2-119549162-GA-G. GRCh37 (hg19) VCF-style: chr2-120306738-GA-G.
Other names: short protein forms K74fs.
Identifiers: ClinVar variation 4871845 (VCV004871845.4).

ClinVar aggregate classification (germline): Likely pathogenic. Review status: criteria provided, multiple submitters, no conflicts (2 of 4 stars). 2 submissions from 2 submitters: Likely pathogenic (2). Last evaluated 2026-06-16.

Conditions:
Young syndrome (CILD55). Also called: CILIARY DYSKINESIA, PRIMARY, 55; SINUSITIS-INFERTILITY SYNDROME; Young's syndrome; AZOOSPERMIA, OBSTRUCTIVE, AND CHRONIC SINOPULMONARY INFECTIONS. Identifiers: Orphanet 3471, MedGen C0340037, MONDO:0010220, OMIM 279000.

Submissions (2):

The Research Institute of Tuberculosis, Japan Anti-Tuberculosis Association
Classification: Likely pathogenic for Young syndrome. Last evaluated: 2026-06-16. Review status: criteria provided, single submitter. Criteria: ACMG Guidelines, 2015. Collection method: clinical testing. Allele origin: germline. Inheritance: Autosomal recessive inheritance. Affected: yes.
Comment: Classification determined through our internal review, with support from Franklin (Genoox) summaries integrated into the overall assessment. ACMG/AMP guidelines were applied for SNV/indel interpretation. Final classification: Likely pathogenic. This variant is a null variant (FRAMESHIFT) in a gene where loss of function is an established mechanism of disease, supporting PVS1. This variant is absent or present at extremely low frequency (%) in population databases (gnomAD: exome 0.00014; genome 0.00066), supporting PM2. Evidence (ACMG/AMP codes): PVS1, PM2. Situs inversus was absent.

Juno Genomics, Hangzhou Juno Genomics, Inc
Classification: Likely pathogenic for Young syndrome. Review status: criteria provided, single submitter. Criteria: ACMG Guidelines, 2015. Collection method: clinical testing. Allele origin: germline.
Comment: Absent from controls (or at extremely low frequency if recessive) in Genome Aggregation Database.;Null variant in a gene where loss of function (LOF) is a known mechanism of disease.